The following is an entry in ClinVar:

NM_000038.6(APC):c.6090_6093del (p.Ser2031fs)

Gene: APC (APC regulator of Wnt signaling pathway; plus strand). Cytogenetic location: 5q22.2.
Variant type: Deletion.
Coding change: c.6090_6093del on transcript NM_000038.6 (MANE Select); coding-DNA positions 6090 to 6093, 4 bases deleted (TAGT; older notation c.6090_6093delTAGT).
Protein change: p.Ser2031fs; shifts the reading frame from serine 2031.
Molecular consequence: frameshift variant.
Genome position (GRCh38, 1-based): chr5:112,841,684-112,841,687, TAGT deleted; deleting any 4 consecutive bases within chr5:112,841,683-112,841,687 gives the same sequence; the c. name uses the placement nearest the transcript's 3' end. VCF-style (leftmost placement, unchanged base first): chr5-112841682-CTTAG-C. GRCh37 (hg19) VCF-style: chr5-112177379-CTTAG-C.
Other names: c.6090_6093del, p.Ser2031fs (NM_001127510.3, NM_001354895.2); c.6036_6039del, p.Ser2013fs (NM_001127511.3); c.6144_6147del, p.Ser2049fs (NM_001354896.2); c.6120_6123del, p.Ser2041fs (NM_001354897.2); c.6015_6018del, p.Ser2006fs (NM_001354898.2); c.6006_6009del, p.Ser2003fs (NM_001354899.2); c.5967_5970del, p.Ser1990fs (NM_001354900.2); c.5913_5916del, p.Ser1972fs (NM_001354901.2); and 5 more; short protein forms S1972fs, S2003fs, S2006fs, S2013fs, S2031fs, S1748fs, S1905fs, S1871fs.
Identifiers: ClinVar variation 835847 (VCV000835847.11), dbSNP rs1766130383, ClinGen allele CA916079929.

ClinVar aggregate classification (germline): Pathogenic (1 of 4 stars; one submission).

Conditions:
Familial adenomatous polyposis 1 (FAP1). Also called: POLYPOSIS, ADENOMATOUS INTESTINAL; FAMILIAL ADENOMATOUS POLYPOSIS 1, ATTENUATED. Identifiers: MedGen C2713442, MONDO:0021056, OMIM 175100. Disease mechanism: loss of function.

Submission:

Labcorp Genetics (formerly Invitae), Labcorp
Classification: Pathogenic for Familial adenomatous polyposis 1. Last evaluated: 2019-05-18. Review status: criteria provided, single submitter. Criteria: Invitae Variant Classification Sherloc (09022015). Collection method: clinical testing. Allele origin: germline.
Comment: A different truncation (p.Tyr2645Lysfs*14) that lies downstream of this variant has been determined to be pathogenic (PMID: 9824584, 1316610,27081525, 8381579, 22135120, Invitae). This suggests that deletion of this region of the APC protein is causative of disease. For these reasons, this variant has been classified as Pathogenic. This variant is expected to disrupt the EB1 and HDLG binding sites, which mediate interactions with the cytoskeleton (PMID: 15311282, 17293347). While functional studies have not been performed to directly test the effect on APC protein function, this suggests that disruption of the C-terminal portion of the protein is functionally important. This variant has not been reported in the literature in individuals with APC-related conditions. This variant is not present in population databases (ExAC no frequency). This sequence change results in a premature translational stop signal in the APC gene (p.Ser2031Leufs*12). While this is not anticipated to result in nonsense mediated decay, it is expected to disrupt the last 813 amino acids of the APC protein.

Literature cited by the submitters: PubMed 9824584; PubMed 1316610; PubMed 27081525; PubMed 8381579; PubMed 22135120; PubMed 15311282; PubMed 17293347.